The following is an entry in ClinVar:

NM_003070.5(SMARCA2):c.3879G>T (p.Arg1293Ser)

Gene: SMARCA2 (SWI/SNF related BAF chromatin remodeling complex subunit ATPase 2; plus strand). Cytogenetic location: 9p24.3.
Variant type: single nucleotide variant.
Coding change: c.3879G>T on transcript NM_003070.5 (MANE Select); coding-DNA position 3879, G replaced by T.
Protein change: p.Arg1293Ser; replaces arginine 1293 with serine.
Molecular consequence: missense variant.
Genome position (GRCh38, 1-based): chr9:2,123,835, G>T. VCF-style: chr9-2123835-G-T. GRCh37 (hg19) VCF-style: chr9-2123835-G-T.
Other names: c.3879G>T, p.Arg1293Ser (NM_001289396.2, NM_139045.4); c.3705G>T, p.Arg1235Ser (NM_001289397.2); short protein forms R1235S, R1293S.
Identifiers: ClinVar variation 2636315 (VCV002636315.1), dbSNP rs770913956, ClinGen allele CA372790542.
Genomic context (GRCh38, chr9:2,123,835, plus strand): 5'-TTTAATGGAGGAGGATGAGCTGCCCTCCTGGATCATTAAGGATGACGCTGAAGTAGAAAG[G>T]CTCACCTGTGAAGAAGAGGAGGAGAAAATATTTGGGAGGGGGTCCCGCCAGCGCCGTGAC-3'
Protein context (NP_003061.3, residues 1283-1303): WIIKDDAEVE[Arg1293Ser]LTCEEEEEKI

ClinVar aggregate classification (germline): Uncertain significance (1 of 4 stars; one submission).

Conditions:
SMARCA2-related disorder. Also called: SMARCA2-related condition.

gnomAD v4.1: 2 of 1,612,540 alleles (0.00012%); highest among the groups gnomAD compares: Non-Finnish European, 0.00017%; no homozygotes.

Submission:

PreventionGenetics, part of Exact Sciences
Classification: Uncertain significance for SMARCA2-related condition. Last evaluated: 2022-09-21. Review status: criteria provided, single submitter. Criteria: ACMG Guidelines, 2015. Collection method: clinical testing. Allele origin: germline.
Comment: The SMARCA2 c.3879G>T variant is predicted to result in the amino acid substitution p.Arg1293Ser. To our knowledge, this variant has not been reported in the literature or in a large population database, indicating this variant is rare. At this time, the clinical significance of this variant is uncertain due to the absence of conclusive functional and genetic evidence.